The following is an entry in ClinVar:

ClinVar aggregate classification (germline): Pathogenic (1 of 4 stars; one submission).

Conditions:
Hypertrophic cardiomyopathy. Also called: HYPERTROPHIC MYOCARDIOPATHY. Identifiers: Orphanet 217569, MedGen C0007194, MeSH D002312, MONDO:0005045, HP:0001639.

Submission:

Labcorp Genetics (formerly Invitae), Labcorp
Classification: Pathogenic for Hypertrophic cardiomyopathy. Last evaluated: 2024-04-30. Review status: criteria provided, single submitter. Criteria: Invitae Variant Classification Sherloc (09022015). Collection method: clinical testing. Allele origin: germline.
Comment: This sequence change creates a premature translational stop signal (p.Tyr614*) in the MYBPC3 gene. It is expected to result in an absent or disrupted protein product. Loss-of-function variants in MYBPC3 are known to be pathogenic (PMID: 19574547). This variant is not present in population databases (gnomAD no frequency). This variant has not been reported in the literature in individuals affected with MYBPC3-related conditions. ClinVar contains an entry for this variant (Variation ID: 2003751). For these reasons, this variant has been classified as Pathogenic.

Literature cited by the submitters: PubMed 19574547.

NM_000256.3(MYBPC3):c.1842del (p.Asp613_Tyr614insTer)

Gene: MYBPC3 (myosin binding protein C3; minus strand). Cytogenetic location: 11p11.2.
Variant type: Deletion.
Coding change: c.1842del on transcript NM_000256.3 (MANE Select); coding-DNA position 1842, one base deleted (C; older notation c.1842delC).
Protein change: p.Asp613_Tyr614insTer.
Molecular consequence: nonsense.
Genome position (GRCh38, 1-based): chr11:47,341,193, G deleted on the plus strand (C on the coding strand, the reverse complement: MYBPC3 is on the minus strand). VCF-style (leftmost placement, unchanged base first): chr11-47341192-TG-T. GRCh37 (hg19) VCF-style: chr11-47362743-TG-T.
Identifiers: ClinVar variation 2003751 (VCV002003751.4), dbSNP rs2495759765, ClinGen allele CA2580084220.